The following is an entry in ClinVar:

ClinVar aggregate classification (germline): Pathogenic. Review status: criteria provided, multiple submitters, no conflicts (2 of 4 stars). 2 submissions from 2 submitters: Pathogenic (2). Last evaluated 2025-09-01.

Allele frequency attached by ClinVar (database versions not stated): gnomAD exomes below 0.00001; TOPMed below 0.00001; ESP Exome Variant Server 0.00008.
gnomAD v4.1: 1 of 1,614,046 alleles (0.000062%); highest among the groups gnomAD compares: Non-Finnish European, 0.000085%; no homozygotes.

Submissions (2):

CeGaT Center for Human Genetics Tuebingen
Classification: Pathogenic. Last evaluated: 2025-09-01. Review status: criteria provided, single submitter. Criteria: CeGaT Center For Human Genetics Tuebingen Variant Classification Criteria Version 2. Collection method: clinical testing. Allele origin: germline. Affected: yes. Observed: 3 variant alleles.
Comment: PCNT: PVS1, PM2, PM3:Supporting

Labcorp Genetics (formerly Invitae), Labcorp
Classification: Pathogenic. Last evaluated: 2023-10-29. Review status: criteria provided, single submitter. Criteria: Invitae Variant Classification Sherloc (09022015). Collection method: clinical testing. Allele origin: germline.
Comment: This sequence change creates a premature translational stop signal (p.Gln3041*) in the PCNT gene. It is expected to result in an absent or disrupted protein product. Loss-of-function variants in PCNT are known to be pathogenic (PMID: 18174396, 22821869). This variant is not present in population databases (gnomAD no frequency). This variant has not been reported in the literature in individuals affected with PCNT-related conditions. For these reasons, this variant has been classified as Pathogenic.

Literature cited by the submitters: PubMed 18174396 (cited by Labcorp Genetics (formerly Invitae), Labcorp); PubMed 22821869 (cited by Labcorp Genetics (formerly Invitae), Labcorp).

NM_006031.6(PCNT):c.9121C>T (p.Gln3041Ter)

Gene: PCNT (pericentrin; plus strand). Cytogenetic location: 21q22.3.
Variant type: single nucleotide variant.
Coding change: c.9121C>T on transcript NM_006031.6 (MANE Select); coding-DNA position 9121, C replaced by T.
Protein change: p.Gln3041Ter; replaces glutamine 3041 with a stop codon.
Molecular consequence: nonsense.
Genome position (GRCh38, 1-based): chr21:46,438,185, C>T. VCF-style: chr21-46438185-C-T. GRCh37 (hg19) VCF-style: chr21-47858098-C-T.
Other names: c.8530C>T, p.Gln2844Ter (NM_001315529.2); short protein forms Q2844*, Q3041*.
Identifiers: ClinVar variation 2813286 (VCV002813286.10), dbSNP rs377707263, ClinGen allele CA322025895.